The following is an entry in ClinVar:

ClinVar aggregate classification (germline): Pathogenic. Review status: criteria provided, multiple submitters, no conflicts (2 of 4 stars). 4 submissions from 4 submitters: Pathogenic (3). 1 of the submissions does not count toward it. Last evaluated 2024-10-15.

Conditions:
Hereditary cancer-predisposing syndrome. Also called: Tumor predisposition; Hereditary neoplastic syndrome; Neoplastic Syndromes, Hereditary; Hereditary Cancer Syndrome. Identifiers: Orphanet 140162, MedGen C0027672, MeSH D009386, MONDO:0015356.
Familial adenomatous polyposis 1 (FAP1). Also called: FAMILIAL ADENOMATOUS POLYPOSIS 1, ATTENUATED; POLYPOSIS, ADENOMATOUS INTESTINAL. Identifiers: MedGen C2713442, MONDO:0021056, OMIM 175100. Disease mechanism: loss of function.
Carcinoma of colon (CRC). Also called: Colonic carcinoma; Colon carcinoma. Identifiers: MedGen C0699790, MONDO:0002032.

Submissions (4):

Labcorp Genetics (formerly Invitae), Labcorp
Classification: Pathogenic for Familial adenomatous polyposis 1. Last evaluated: 2024-10-15. Review status: criteria provided, single submitter. Criteria: Invitae Variant Classification Sherloc (09022015). Collection method: clinical testing. Allele origin: germline.
Comment: This sequence change creates a premature translational stop signal (p.Asn965Valfs*14) in the APC gene. While this is not anticipated to result in nonsense mediated decay, it is expected to disrupt the last 1879 amino acid(s) of the APC protein. This variant is not present in population databases (gnomAD no frequency). This premature translational stop signal has been observed in individual(s) with familial adenomatous polyposis (PMID: 7833936). ClinVar contains an entry for this variant (Variation ID: 1049077). This variant is expected to disrupt the EB1 and HDLG binding sites, which mediate interactions with the cytoskeleton (PMID: 15311282, 17293347). While functional studies have not been performed to directly test the effect on APC protein function, this suggests that disruption of the C-terminal portion of the protein is functionally important. A different truncation (p.Tyr2645Lysfs*14) that lies downstream of this variant has been determined to be pathogenic (PMID: 9824584, 1316610, 27081525, 8381579, 22135120, internal data). This suggests that deletion of this region of the APC protein is causative of disease. For these reasons, this variant has been classified as Pathogenic.

Ambry Genetics
Classification: Pathogenic for Hereditary cancer-predisposing syndrome. Last evaluated: 2023-01-09. Review status: criteria provided, single submitter. Criteria: Ambry Variant Classification Scheme 2023. Collection method: clinical testing. Allele origin: germline.
Comment: The c.2893_2896delAATA pathogenic mutation, located in coding exon 15 of the APC gene, results from a deletion of 4 nucleotides at nucleotide positions 2893 to 2896, causing a translational frameshift with a predicted alternate stop codon (p.N965Vfs*14). This alteration has been previously identified in familial adenomatous polyposis (FAP) cohorts (Paffenholz R, Hum Mol Genet 1994 Sep; 3(9):1703-4; Friedl W et al. Hered Cancer Clin Pract 2005 Sep;3(3):95-114; Gavert N et al. Hum Mutat 2002 Jun;19(6):664). This alteration occurs at the 3' terminus of the APC gene, is not expected to trigger nonsense-mediated mRNA decay, and impacts the last 66% of the protein. However, premature stop codons are typically deleterious in nature, the impacted region is critical for protein function, and a significant portion of the protein is affected (Ambry internal data). This variant is considered to be rare based on population cohorts in the Genome Aggregation Database (gnomAD). Based on the supporting evidence, this alteration is interpreted as a disease-causing mutation.

CeGaT Center for Human Genetics Tuebingen
Classification: Pathogenic. Last evaluated: 2021-08-01. Review status: criteria provided, single submitter. Criteria: CeGaT Center For Human Genetics Tuebingen Variant Classification Criteria Version 2. Collection method: clinical testing. Allele origin: germline. Affected: yes. Observed: 1 variant allele.

Department of Pathology and Laboratory Medicine, Sinai Health System
Classification: Pathogenic for Carcinoma of colon. Review status: no assertion criteria provided. Collection method: clinical testing. Allele origin: unknown. Affected: yes. Study: The Canadian Open Genetics Repository (COGR). Not counted in ClinVar's aggregate classification.
Comment: The APC p.Asn965ValfsX14 variant was identified in 7 of 5788 proband chromosomes (frequency: 0.001) from individuals or families with FAP (Friedl 2005, Giarola 1999, Gavert 2002, Kerr 2013). The variant was also identified in the LOVD 3.0 database (13x). The variant was not identified in dbSNP, ClinVar, Clinvitae, COGR, Cosmic, MutDB, UMD-LSDB, or the Zhejiang Colon Cancer Database. The variant was also not identified in the following control databases: the 1000 Genomes Project, the NHLBI GO Exome Sequencing Project, the Exome Aggregation Consortium (August 8th 2016), or the Genome Aggregation Database (Feb 27, 2017). The c.2893_2896delAATA variant is predicted to cause a frameshift, which alters the protein's amino acid sequence beginning at codon 965 and leads to a premature stop codon at position 978. This alteration is then predicted to result in a truncated or absent protein and loss of function. Loss of function variants of the APC gene are an established mechanism of disease in familial adenomatous polyposis and is the type of variant expected to cause the disorder. In summary, based on the above information this variant meets our laboratoryâ€šÃ„Ã´s criteria to be classified as pathogenic.

Literature cited by the submitters: PubMed 7833936 (cited by Labcorp Genetics (formerly Invitae), Labcorp and Ambry Genetics); PubMed 15311282 (cited by Labcorp Genetics (formerly Invitae), Labcorp); PubMed 17293347 (cited by Labcorp Genetics (formerly Invitae), Labcorp); PubMed 9824584 (cited by Labcorp Genetics (formerly Invitae), Labcorp); PubMed 1316610 (cited by Labcorp Genetics (formerly Invitae), Labcorp); PubMed 27081525 (cited by Labcorp Genetics (formerly Invitae), Labcorp); PubMed 8381579 (cited by Labcorp Genetics (formerly Invitae), Labcorp); PubMed 22135120 (cited by Labcorp Genetics (formerly Invitae), Labcorp); PubMed 12007223 (cited by Ambry Genetics); PubMed 20223039 (cited by Ambry Genetics).

NM_000038.6(APC):c.2893_2896del (p.Asn965fs)

Gene: APC (APC regulator of Wnt signaling pathway; plus strand). Cytogenetic location: 5q22.2.
Variant type: Deletion.
Coding change: c.2893_2896del on transcript NM_000038.6 (MANE Select); coding-DNA positions 2893 to 2896, 4 bases deleted (AATA; older notation c.2893_2896delAATA).
Protein change: p.Asn965fs; shifts the reading frame from asparagine 965.
Molecular consequence: frameshift variant.
Genome position (GRCh38, 1-based): chr5:112,838,487-112,838,490, AATA deleted; deleting any 4 consecutive bases within chr5:112,838,485-112,838,490 gives the same sequence; the c. name uses the placement nearest the transcript's 3' end. VCF-style (leftmost placement, unchanged base first): chr5-112838484-TTAAA-T. GRCh37 (hg19) VCF-style: chr5-112174181-TTAAA-T.
Other names: c.2893_2896del, p.Asn965fs (NM_001127510.3, NM_001354895.2); c.2839_2842del, p.Asn947fs (NM_001127511.3); c.2947_2950del, p.Asn983fs (NM_001354896.2); c.2923_2926del, p.Asn975fs (NM_001354897.2); c.2818_2821del, p.Asn940fs (NM_001354898.2); c.2809_2812del, p.Asn937fs (NM_001354899.2); c.2770_2773del, p.Asn924fs (NM_001354900.2); c.2716_2719del, p.Asn906fs (NM_001354901.2); and 5 more; short protein forms N682fs, N805fs, N839fs, N864fs, N874fs, N906fs, N924fs, N937fs.
Identifiers: ClinVar variation 1049077 (VCV001049077.41), dbSNP rs2149879574, ClinGen allele CA658760845.